The following is an entry in ClinVar:

ClinVar aggregate classification (germline): Uncertain significance. Review status: criteria provided, multiple submitters, no conflicts (2 of 4 stars). 2 submissions from 2 submitters: Uncertain significance (2). Last evaluated 2025-09-12.

Conditions:
Cardiovascular phenotype. Identifiers: MedGen CN230736.

Allele frequency attached by ClinVar (database versions not stated): TOPMed below 0.00001; gnomAD 0.00001; gnomAD exomes 0.00002.

Submissions (2):

Ambry Genetics
Classification: Uncertain significance for Cardiovascular phenotype. Last evaluated: 2025-09-12. Review status: criteria provided, single submitter. Criteria: Ambry Variant Classification Scheme 2023. Collection method: clinical testing. Allele origin: germline.
Comment: The p.R1414W variant (also known as c.4240C>T), located in coding exon 10 of the TNXB gene, results from a C to T substitution at nucleotide position 4240. The arginine at codon 1414 is replaced by tryptophan, an amino acid with dissimilar properties. This amino acid position is conserved. In addition, this alteration is predicted to be tolerated by in silico analysis. Since supporting evidence is limited at this time, the clinical significance of this alteration remains unclear.

GeneDx
Classification: Uncertain significance. Last evaluated: 2020-01-09. Review status: criteria provided, single submitter. Criteria: GeneDx Variant Classification Process June 2021. Collection method: clinical testing. Allele origin: germline. Affected: yes.
Comment: Has not been previously published as pathogenic or benign to our knowledge; Not observed at a significant frequency in large population cohorts (Lek et al., 2016); In silico analysis, which includes protein predictors and evolutionary conservation, supports a deleterious effect

NM_001365276.2(TNXB):c.4240C>T (p.Arg1414Trp)

Gene: TNXB (tenascin XB; minus strand). Cytogenetic location: 6p21.33.
Variant type: single nucleotide variant.
Coding change: c.4240C>T on transcript NM_001365276.2 (MANE Select); coding-DNA position 4240, C replaced by T.
Protein change: p.Arg1414Trp; replaces arginine 1414 with tryptophan.
Molecular consequence: missense variant.
Genome position (GRCh38, 1-based): chr6:32,079,168, G>A on the plus strand (C>T on the coding strand, the complement: TNXB is on the minus strand). VCF-style: chr6-32079168-G-A. GRCh37 (hg19) VCF-style: chr6-32046945-G-A.
Other names: c.4240C>T, p.Arg1414Trp (NM_019105.8); short protein forms R1414W.
Identifiers: ClinVar variation 1311730 (VCV001311730.6), dbSNP rs565552445, ClinGen allele CA3735000.